The following is an entry in ClinVar:

ClinVar aggregate classification (germline): Benign (1 of 4 stars; one submission).

Conditions:
Familial adenomatous polyposis 1 (FAP1). Also called: POLYPOSIS, ADENOMATOUS INTESTINAL; FAMILIAL ADENOMATOUS POLYPOSIS 1, ATTENUATED. Identifiers: MedGen C2713442, MONDO:0021056, OMIM 175100. Disease mechanism: loss of function.

Submission:

Myriad Genetics, Inc.
Classification: Benign for Familial adenomatous polyposis 1. Last evaluated: 2024-02-29. Review status: criteria provided, single submitter. Criteria: Myriad Autosomal Dominant, Autosomal Recessive and X-Linked Classification Criteria (2023). Collection method: clinical testing. Allele origin: unknown.
Comment: This variant is considered benign. This variant is a silent/synonymous amino acid change and it is not expected to impact splicing.

NM_000038.6(APC):c.1104A>C (p.Val368=)

Gene: APC (APC regulator of Wnt signaling pathway; plus strand). Cytogenetic location: 5q22.2.
Variant type: single nucleotide variant.
Coding change: c.1104A>C on transcript NM_000038.6 (MANE Select); coding-DNA position 1104, A replaced by C.
Protein change: p.Val368=; no amino-acid change (valine 368 retained).
Molecular consequence: synonymous variant. On other transcripts: non-coding transcript variant (2), intron variant (15).
Genome position (GRCh38, 1-based): chr5:112,819,136, A>C. VCF-style: chr5-112819136-A-C. GRCh37 (hg19) VCF-style: chr5-112154833-A-C.
Other names: c.927A>C, p.Val309= (NM_001354901.2, NM_001407453.1, NM_001354900.2); c.255A>C, p.Val85= (NM_001354906.2, NM_001407470.1); c.1134A>C, p.Val378= (NM_001407446.1, NM_001354897.2); c.1104A>C, p.Val368= (NM_001407447.1, NM_001407448.1, NM_001407449.1 and 4 more transcripts); c.1029A>C, p.Val343= (NM_001407451.1, NM_001354898.2); c.1020A>C, p.Val340= (NM_001407452.1, NM_001354899.2); c.1050A>C, p.Val350= (NM_001127511.3); c.85-133A>C (NM_001407472.1, NM_001407471.1); and 5 more.
Identifiers: ClinVar variation 3148129 (VCV003148129.1), dbSNP rs752507116, ClinGen allele CA445960274.
Genomic context (GRCh38, chr5:112,819,136, plus strand): 5'-ACAGTCTGGATGTCTTCCTCTCCTCATCCAGCTTTTACATGGCAATGACAAAGACTCTGT[A>C]TTGTTGGGAAATTCCCGGGGCAGTAAAGAGGCTCGGGCCAGGGCCAGTGCAGCACTCCAC-3'
Protein context (NP_000029.2, residues 358-378): QLLHGNDKDS[Val368=]LLGNSRGSKE